The following is an entry in ClinVar:

ClinVar aggregate classification (germline): Pathogenic (1 of 4 stars; one submission).

Submission:

Labcorp Genetics (formerly Invitae), Labcorp
Classification: Pathogenic. Last evaluated: 2021-09-19. Review status: criteria provided, single submitter. Criteria: Invitae Variant Classification Sherloc (09022015). Collection method: clinical testing. Allele origin: germline.
Comment: This sequence change creates a premature translational stop signal (p.Ser1173*) in the ADGRV1 gene. It is expected to result in an absent or disrupted protein product. Loss-of-function variants in ADGRV1 are known to be pathogenic (PMID: 19357117, 22135276, 22147658, 26226137, 26667666, 30029497, 32467589). This variant is not present in population databases (ExAC no frequency). This variant has not been reported in the literature in individuals affected with ADGRV1-related conditions. For these reasons, this variant has been classified as Pathogenic.

Literature cited by the submitters: PubMed 19357117; PubMed 22135276; PubMed 22147658; PubMed 26226137; PubMed 26667666; PubMed 30029497; PubMed 32467589.

NM_032119.4(ADGRV1):c.3518del (p.Thr1172_Ser1173insTer)

Gene: ADGRV1 (adhesion G protein-coupled receptor V1; plus strand). Cytogenetic location: 5q14.3.
Variant type: Deletion.
Coding change: c.3518del on transcript NM_032119.4 (MANE Select); coding-DNA position 3518, one base deleted (C; older notation c.3518delC).
Protein change: p.Thr1172_Ser1173insTer.
Molecular consequence: nonsense. On other transcripts: non-coding transcript variant (1).
Genome position (GRCh38, 1-based): chr5:90,652,447, C deleted. VCF-style (leftmost placement, unchanged base first): chr5-90652446-TC-T. GRCh37 (hg19) VCF-style: chr5-89948263-TC-T.
Identifiers: ClinVar variation 1406046 (VCV001406046.6), dbSNP rs2149463584, ClinGen allele CA2573140107.